The following is an entry in ClinVar:

ClinVar aggregate classification (germline): Pathogenic. Review status: criteria provided, multiple submitters, no conflicts (2 of 4 stars). 4 submissions from 4 submitters: Pathogenic (4). Last evaluated 2024-09-30.

Conditions:
CFTR-related disorder (CFTR-RD). Also called: CFTR-related disorders; CFTR-related condition. Identifiers: MedGen C5924204, MONDO:7770004.
Cystic fibrosis (CF). Also called: MUCOVISCIDOSIS. Identifiers: Orphanet 586, MedGen C0010674, MONDO:0009061, OMIM 219700. Disease mechanism: loss of function.

Submissions (4):

Natera, Inc.
Classification: Pathogenic for CFTR-related disorders. Last evaluated: 2024-09-30. Review status: criteria provided, single submitter. Criteria: Natera Variant Classification Schema (03/2026). Collection method: clinical testing. Allele origin: germline.
Comment: The c.1510G>T variant in CFTR is a nonsense variant predicted to introduce a stop codon at amino acid 504. This variant is expected to result in nonsense mediated decay, truncation, or a dysfunctional protein product. This variant is rare in the general population with a frequency below the threshold expected for the associated phenotype(s). This variant has been observed to segregate in affected family members (PMID: 30577776). Given the available evidence, this variant is classified as Pathogenic.

Ambry Genetics
Classification: Pathogenic for Cystic fibrosis. Last evaluated: 2022-08-08. Review status: criteria provided, single submitter. Criteria: Ambry Variant Classification Scheme 2023. Collection method: clinical testing. Allele origin: germline.
Comment: The p.E504* pathogenic mutation (also known as c.1510G>T), located in coding exon 11 of the CFTR gene, results from a G to T substitution at nucleotide position 1510. This changes the amino acid from a glutamic acid to a stop codon within coding exon 11. This variant is considered to be rare based on population cohorts in the Genome Aggregation Database (gnomAD). This alteration is expected to result in loss of function by premature protein truncation or nonsense-mediated mRNA decay. As such, this alteration is interpreted as a disease-causing mutation.

Labcorp Genetics (formerly Invitae), Labcorp
Classification: Pathogenic for Cystic fibrosis. Last evaluated: 2020-09-23. Review status: criteria provided, single submitter. Criteria: Invitae Variant Classification Sherloc (09022015). Collection method: clinical testing. Allele origin: germline.
Comment: Loss-of-function variants in CFTR are known to be pathogenic (PMID: 1695717, 7691345, 9725922). For these reasons, this variant has been classified as Pathogenic. This variant has not been reported in the literature in individuals with CFTR-related conditions. ClinVar contains an entry for this variant (Variation ID: 53274). This variant is not present in population databases (ExAC no frequency). This sequence change creates a premature translational stop signal (p.Glu504*) in the CFTR gene. It is expected to result in an absent or disrupted protein product.

Mendelics
Classification: Pathogenic for Cystic fibrosis. Last evaluated: 2018-11-05. Review status: criteria provided, single submitter. Criteria: Mendelics Assertion Criteria 2017. Collection method: clinical testing. Allele origin: unknown. Affected: yes.

Literature cited by the submitters: PubMed 30577776 (cited by Natera, Inc.); PubMed 1695717 (cited by Labcorp Genetics (formerly Invitae), Labcorp); PubMed 7691345 (cited by Labcorp Genetics (formerly Invitae), Labcorp); PubMed 9725922 (cited by Labcorp Genetics (formerly Invitae), Labcorp).

NM_000492.4(CFTR):c.1510G>T (p.Glu504Ter)

Genes: CFTR (CF transmembrane conductance regulator; plus strand), CFTR-AS1 (CFTR antisense RNA 1; minus strand). Cytogenetic location: 7q31.2.
Variant type: single nucleotide variant.
Coding change: c.1510G>T on transcript NM_000492.4 (MANE Select); coding-DNA position 1510, G replaced by T.
Protein change: p.Glu504Ter; replaces glutamic acid 504 with a stop codon.
Molecular consequence: nonsense.
Genome position (GRCh38, 1-based): chr7:117,559,581, G>T. VCF-style: chr7-117559581-G-T. GRCh37 (hg19) VCF-style: chr7-117199635-G-T.
Other names: short protein forms E504*.
Identifiers: ClinVar variation 53274 (VCV000053274.13), dbSNP rs397508223, ClinGen allele CA326517.